The following is an entry in ClinVar:

NM_006766.5(KAT6A):c.4358G>T (p.Cys1453Phe)

Gene: KAT6A (lysine acetyltransferase 6A; minus strand). Cytogenetic location: 8p11.21.
Variant type: single nucleotide variant.
Coding change: c.4358G>T on transcript NM_006766.5 (MANE Select); coding-DNA position 4358, G replaced by T.
Protein change: p.Cys1453Phe; replaces cysteine 1453 with phenylalanine.
Molecular consequence: missense variant.
Genome position (GRCh38, 1-based): chr8:41,933,862, C>A on the plus strand (G>T on the coding strand, the complement: KAT6A is on the minus strand). VCF-style: chr8-41933862-C-A. GRCh37 (hg19) VCF-style: chr8-41791380-C-A.
Other names: short protein forms C1453F.
Identifiers: ClinVar variation 3381311 (VCV003381311.1).
Genomic context (GRCh38, chr8:41,933,862, plus strand): 5'-TCTTCAACCATGGACATCTGAGGGTCCTCGTCAGCCTGGGTGTAACTCTGCAGGGTCTGA[C>A]ACGCCGCAAGAGTTTCCTCACAGTCCTGGTAGGCGCCCTCATGCTCACTGCTTTCTTCTT-3'
Protein context (NP_006757.2, residues 1443-1463): YQDCEETLAA[Cys1453Phe]QTLQSYTQAD

ClinVar aggregate classification (germline): Uncertain significance (1 of 4 stars; one submission).

Submission:

GeneDx
Classification: Uncertain significance. Last evaluated: 2024-05-22. Review status: criteria provided, single submitter. Criteria: GeneDx Variant Classification Process June 2021. Collection method: clinical testing. Allele origin: germline. Affected: yes.
Comment: Not observed at significant frequency in large population cohorts (gnomAD); In silico analysis supports that this missense variant has a deleterious effect on protein structure/function; Has not been previously published as pathogenic or benign to our knowledge